The following is an entry in ClinVar:

ClinVar aggregate classification (germline): Uncertain significance (1 of 4 stars; one submission).

Allele frequency attached by ClinVar (database versions not stated): gnomAD 0.00001.
gnomAD v4.1: 1 of 1,614,048 alleles (0.000062%); highest among the groups gnomAD compares: African/African-American, 0.0013%; no homozygotes.

Submission:

GeneDx
Classification: Uncertain significance. Last evaluated: 2019-04-05. Review status: criteria provided, single submitter. Criteria: GeneDx Variant Classification Process June 2021. Collection method: clinical testing. Allele origin: germline. Affected: yes.
Comment: The majority of missense variants in this gene are considered pathogenic (Stenson et al., 2014); In silico analysis, which includes protein predictors and evolutionary conservation, supports that this variant does not alter protein structure/function; Has not been previously published as pathogenic or benign to our knowledge; Observed in 1/8,728 (0.012%) alleles from individuals of African background in large population cohorts (Lek et al., 2016); Located within the N-terminal cytoplasmic domain (Shi et al., 2012)

NM_001040142.2(SCN2A):c.81A>T (p.Gln27His)

Gene: SCN2A (sodium voltage-gated channel alpha subunit 2; plus strand). Cytogenetic location: 2q24.3.
Variant type: single nucleotide variant.
Coding change: c.81A>T on transcript NM_001040142.2 (MANE Select); coding-DNA position 81, A replaced by T.
Protein change: p.Gln27His; replaces glutamine 27 with histidine.
Molecular consequence: missense variant.
Genome position (GRCh38, 1-based): chr2:165,295,904, A>T. VCF-style: chr2-165295904-A-T. GRCh37 (hg19) VCF-style: chr2-166152414-A-T.
Other names: c.81A>T, p.Gln27His (NM_001040143.2, NM_001371246.1, NM_001371247.1 and 1 more transcripts); short protein forms Q27H.
Identifiers: ClinVar variation 1318695 (VCV001318695.2), dbSNP rs1162322343, ClinGen allele CA349009893.